The following is an entry in ClinVar:

ClinVar aggregate classification (germline): Uncertain significance. Review status: criteria provided, multiple submitters, no conflicts (2 of 4 stars). 3 submissions from 3 submitters: Uncertain significance (3). Last evaluated 2025-09-02.

Conditions:
Inborn genetic diseases. Identifiers: MedGen C0950123, MeSH D030342.
Hereditary spastic paraplegia. Also called: Familial spastic paraparesis. Identifiers: Orphanet 685, MedGen C0037773, MONDO:0019064. Disease mechanism: loss of function.
Hereditary spastic paraplegia 28. Also called: Spastic paraplegia 28, autosomal recessive. Identifiers: Orphanet 101008, MedGen C1836295, MONDO:0012256, OMIM 609340.

Allele frequency attached by ClinVar (database versions not stated): TOPMed 0.00002; ExAC 0.00003; gnomAD exomes 0.00003 and 0.00005; gnomAD 0.00004; 1000 Genomes Project 0.00020; 1000 Genomes Project 30x 0.00031.
gnomAD v4.1: 82 of 1,607,506 alleles (0.0051%); highest among the groups gnomAD compares: Non-Finnish European, 0.0061%; no homozygotes.

Submissions (3):

Labcorp Genetics (formerly Invitae), Labcorp
Classification: Uncertain significance for Hereditary spastic paraplegia 28. Last evaluated: 2025-09-02. Review status: criteria provided, single submitter. Criteria: Invitae Variant Classification Sherloc (09022015). Collection method: clinical testing. Allele origin: germline.
Comment: This sequence change replaces glycine, which is neutral and non-polar, with alanine, which is neutral and non-polar, at codon 61 of the DDHD1 protein (p.Gly61Ala). This variant is present in population databases (rs548480563, gnomAD 0.004%). This variant has not been reported in the literature in individuals affected with DDHD1-related conditions. ClinVar contains an entry for this variant (Variation ID: 969268). An algorithm developed to predict the effect of missense changes on protein structure and function outputs the following: PolyPhen-2: "Benign". The alanine amino acid residue is found in multiple mammalian species, which suggests that this missense change does not adversely affect protein function. In summary, the available evidence is currently insufficient to determine the role of this variant in disease. Therefore, it has been classified as a Variant of Uncertain Significance.

Ambry Genetics
Classification: Uncertain significance for Inborn genetic diseases. Last evaluated: 2025-06-20. Review status: criteria provided, single submitter. Criteria: Ambry Variant Classification Scheme 2023. Collection method: clinical testing. Allele origin: germline.

Genome Diagnostics Laboratory, The Hospital for Sick Children
Classification: Uncertain significance for Hereditary spastic paraplegia. Last evaluated: 2018-03-01. Review status: criteria provided, single submitter. Criteria: ACMG Guidelines, 2015. Collection method: clinical testing. Allele origin: germline. Affected: yes.

NM_001160148.2(DDHD1):c.182G>C (p.Gly61Ala)

Gene: DDHD1 (DDHD domain containing 1; minus strand). Cytogenetic location: 14q22.1.
Variant type: single nucleotide variant.
Coding change: c.182G>C on transcript NM_001160148.2 (MANE Select); coding-DNA position 182, G replaced by C.
Protein change: p.Gly61Ala; replaces glycine 61 with alanine.
Molecular consequence: missense variant.
Genome position (GRCh38, 1-based): chr14:53,152,917, C>G on the plus strand (G>C on the coding strand, the complement: DDHD1 is on the minus strand). VCF-style: chr14-53152917-C-G. GRCh37 (hg19) VCF-style: chr14-53619635-C-G.
Other names: c.182G>C, p.Gly61Ala (NM_001160147.2, NM_030637.3); c.182G>C (NM_001160148.1); short protein forms G61A.
Identifiers: ClinVar variation 969268 (VCV000969268.10), dbSNP rs548480563, ClinGen allele CA7191570.